The following is an entry in ClinVar:

ClinVar aggregate classification (germline): Uncertain significance (1 of 4 stars; one submission).

Conditions:
Early Myoclonic Encephalopathy. Identifiers: MedGen C0270855.

Allele frequency attached by ClinVar (database versions not stated): TOPMed below 0.00001; ExAC 0.00001; gnomAD exomes below 0.00001; gnomAD 0.00001.
gnomAD v4.1: 3 of 1,592,000 alleles (0.00019%); highest among the groups gnomAD compares: South Asian, 0.0012%; no homozygotes.

Submission:

Labcorp Genetics (formerly Invitae), Labcorp
Classification: Uncertain significance for Early Myoclonic Encephalopathy. Last evaluated: 2023-11-07. Review status: criteria provided, single submitter. Criteria: Invitae Variant Classification Sherloc (09022015). Collection method: clinical testing. Allele origin: germline.
Comment: This sequence change replaces proline, which is neutral and non-polar, with arginine, which is basic and polar, at codon 966 of the JMJD1C protein (p.Pro966Arg). This variant is present in population databases (rs774865285, gnomAD 0.004%). This variant has not been reported in the literature in individuals affected with JMJD1C-related conditions. Advanced modeling of protein sequence and biophysical properties (such as structural, functional, and spatial information, amino acid conservation, physicochemical variation, residue mobility, and thermodynamic stability) performed at Invitae indicates that this missense variant is not expected to disrupt JMJD1C protein function with a negative predictive value of 80%. In summary, the available evidence is currently insufficient to determine the role of this variant in disease. Therefore, it has been classified as a Variant of Uncertain Significance.

NM_032776.3(JMJD1C):c.2897C>G (p.Pro966Arg)

Gene: JMJD1C (jumonji domain containing 1C; minus strand). Cytogenetic location: 10q21.3.
Variant type: single nucleotide variant.
Coding change: c.2897C>G on transcript NM_032776.3 (MANE Select); coding-DNA position 2897, C replaced by G.
Protein change: p.Pro966Arg; replaces proline 966 with arginine.
Molecular consequence: missense variant. On other transcripts: non-coding transcript variant (1).
Genome position (GRCh38, 1-based): chr10:63,208,772, G>C on the plus strand (C>G on the coding strand, the complement: JMJD1C is on the minus strand). VCF-style: chr10-63208772-G-C. GRCh37 (hg19) VCF-style: chr10-64968532-G-C.
Other names: c.2351C>G, p.Pro784Arg (NM_001282948.2, NM_001318154.2); c.2033C>G, p.Pro678Arg (NM_001318153.2); c.2783C>G, p.Pro928Arg (NM_001322252.2); c.2240C>G, p.Pro747Arg (NM_001322254.2, NM_001322258.2); short protein forms P678R, P784R, P928R, P747R, P966R.
Identifiers: ClinVar variation 2800546 (VCV002800546.3), dbSNP rs774865285, ClinGen allele CA5518521.
Genomic context (GRCh38, chr10:63,208,772, plus strand): 5'-GTCTGTGACCTATTTAGATCCAGGTCATTTTTGGCTGATGTGGATGCAACAGACCGTAAT[G>C]GTTCCATAAAAGCTTTTCTTTCTAATTCTCTGTAAAGAAAATACACAAATATTTCTGTAA-3'
Protein context (NP_116165.1, residues 956-976): EELERKAFME[Pro966Arg]LRSVASTSAK